The following is an entry in ClinVar:

ClinVar aggregate classification (germline): Uncertain significance. Review status: criteria provided, multiple submitters, no conflicts (2 of 4 stars). 2 submissions from 2 submitters: Uncertain significance (2). Last evaluated 2023-09-06.

Conditions:
Autosomal recessive severe congenital neutropenia due to CSF3R deficiency. Also called: Neutropenia, severe congenital, 7, autosomal recessive. Identifiers: Orphanet 420702, MedGen C4310764, MONDO:0014865, OMIM 617014.

Allele frequency attached by ClinVar (database versions not stated): gnomAD exomes below 0.00001 and 0.00003; gnomAD 0.00001; TOPMed 0.00001.
gnomAD v4.1: 42 of 1,614,044 alleles (0.0026%); highest among the groups gnomAD compares: Non-Finnish European, 0.0034%; no homozygotes.

Submissions (2):

Mayo Clinic Laboratories, Mayo Clinic
Classification: Uncertain significance. Last evaluated: 2023-09-06. Review status: criteria provided, single submitter. Criteria: ACMG Guidelines, 2015. Collection method: clinical testing. Allele origin: germline. Observed: 1 variant allele.

Labcorp Genetics (formerly Invitae), Labcorp
Classification: Uncertain significance for Autosomal recessive severe congenital neutropenia due to CSF3R deficiency. Last evaluated: 2020-10-05. Review status: criteria provided, single submitter. Criteria: Invitae Variant Classification Sherloc (09022015). Collection method: clinical testing. Allele origin: germline.
Comment: This sequence change replaces tyrosine with histidine at codon 508 of the CSF3R protein (p.Tyr508His). The tyrosine residue is highly conserved and there is a moderate physicochemical difference between tyrosine and histidine. This variant is not present in population databases (ExAC no frequency). This variant has not been reported in the literature in individuals with CSF3R-related conditions. Algorithms developed to predict the effect of missense changes on protein structure and function (SIFT, PolyPhen-2, Align-GVGD) all suggest that this variant is likely to be disruptive, but these predictions have not been confirmed by published functional studies and their clinical significance is uncertain. In summary, the available evidence is currently insufficient to determine the role of this variant in disease. Therefore, it has been classified as a Variant of Uncertain Significance.

NM_000760.4(CSF3R):c.1522T>C (p.Tyr508His)

Gene: CSF3R (colony stimulating factor 3 receptor; minus strand). Cytogenetic location: 1p34.3.
Variant type: single nucleotide variant.
Coding change: c.1522T>C on transcript NM_000760.4 (MANE Select); coding-DNA position 1522, T replaced by C.
Protein change: p.Tyr508His; replaces tyrosine 508 with histidine.
Molecular consequence: missense variant.
Genome position (GRCh38, 1-based): chr1:36,469,210, A>G on the plus strand (T>C on the coding strand, the complement: CSF3R is on the minus strand). VCF-style: chr1-36469210-A-G. GRCh37 (hg19) VCF-style: chr1-36934811-A-G.
Other names: p.Tyr508His; c.1522T>C, p.Tyr508His (NM_156039.3, NM_172313.3); short protein forms Y508H.
Identifiers: ClinVar variation 1016002 (VCV001016002.9), dbSNP rs1180227540, ClinGen allele CA339419156.